The following is an entry in ClinVar:

NM_032578.4(MYPN):c.1325A>C (p.Gln442Pro)

Gene: MYPN (myopalladin; plus strand). Cytogenetic location: 10q21.3.
Variant type: single nucleotide variant.
Coding change: c.1325A>C on transcript NM_032578.4 (MANE Select); coding-DNA position 1325, A replaced by C.
Protein change: p.Gln442Pro; replaces glutamine 442 with proline.
Molecular consequence: missense variant. On other transcripts: non-coding transcript variant (2).
Genome position (GRCh38, 1-based): chr10:68,158,493, A>C. VCF-style: chr10-68158493-A-C. GRCh37 (hg19) VCF-style: chr10-69918250-A-C.
Other names: c.1325A>C, p.Gln442Pro (NM_001256267.2); c.443A>C, p.Gln148Pro (NM_001256268.2); short protein forms Q442P, Q148P.
Identifiers: ClinVar variation 452075 (VCV000452075.4), dbSNP rs1211760897, ClinGen allele CA376834407.

ClinVar aggregate classification (germline): Uncertain significance. Review status: criteria provided, multiple submitters, no conflicts (2 of 4 stars). 2 submissions from 2 submitters: Uncertain significance (2). Last evaluated 2024-10-24.

Allele frequency attached by ClinVar (database versions not stated): gnomAD exomes below 0.00001 and 0.00001; TOPMed below 0.00001.
gnomAD v4.1: 4 of 1,613,888 alleles (0.00025%); highest among the groups gnomAD compares: South Asian, 0.0011%; no homozygotes.

Submissions (2):

Blueprint Genetics
Classification: Uncertain significance. Last evaluated: 2024-10-24. Review status: criteria provided, single submitter. Criteria: ACMG Guidelines, 2015. Collection method: clinical testing. Allele origin: germline.

GeneDx
Classification: Uncertain significance. Last evaluated: 2023-04-12. Review status: criteria provided, single submitter. Criteria: GeneDx Variant Classification Process June 2021. Collection method: clinical testing. Allele origin: germline. Affected: yes.
Comment: Has not been previously published as pathogenic or benign to our knowledge; Not observed at significant frequency in large population cohorts (gnomAD); In silico analysis supports that this missense variant has a deleterious effect on protein structure/function